The following continues an entry in ClinVar:

NM_001370658.1(BTD):c.38_44delinsTCC (p.Cys13fs)

Gene: BTD. ClinVar aggregate classification (germline): Pathogenic. Pathogenic (24).

Submissions 14 to 28 of 28:

Laboratory for Molecular Medicine, Mass General Brigham Personalized Medicine
Classification: Pathogenic for Biotinidase deficiency. Last evaluated: 2023-06-15. Review status: criteria provided, single submitter. Criteria: ACMG Guidelines, 2015. Collection method: clinical testing. Allele origin: germline. Inheritance: Autosomal recessive inheritance.
Comment: The p.Cys13PhefsX36 (c.38_44delinsTCC) variant in BTD has been reported in >10 homozygous and > 10 compound heterozygous individuals with biotinidase deficiency and segregated with disease in 1 affected homozygous relative from 1 consanguineous family (Pomponio 1995 PMID: 7550325, Senanayake 2015 PMID: 28649532, Asgari 2016 PMID: 27845546, Wolf 2017 PMID: 27657684, Ferreira 2017 PMID: 28220409, Al-Eitan 2020 PMID: 31973013). This variant has also been reported by other clinical laboratories in ClinVar (Variation ID 1895) and has also been identified in as two separate variants (40_41delGG and c.44_45delGT) in gnomAD in 0.08% (4/4836) South Asian and 0.02% (15/68040) European chromosomes (v.3.1.2). This variant is predicted to cause a frameshift, which alters the protein’s amino acid sequence beginning at position 13 and leads to a premature termination codon 36 amino acids downstream. This alteration is then predicted to lead to a truncated or absent protein. Loss of function of the BTD gene is an established disease mechanism in autosomal recessive biotinidase deficiency. In summary, this variant meets criteria to be classified as pathogenic for autosomal recessive biotinidase deficiency. ACMG/AMP Criteria applied: PVS1, PM3_Very Strong.

GeneDx
Classification: Pathogenic. Last evaluated: 2021-10-14. Review status: criteria provided, single submitter. Criteria: GeneDx Variant Classification Process June 2021. Collection method: clinical testing. Allele origin: germline. Affected: yes.
Comment: Frameshift variant predicted to result in protein truncation or nonsense mediated decay in a gene for which loss-of-function is a known mechanism of disease; Not observed in large population cohorts (gnomAD); This variant is associated with the following publications: (PMID: 15776412, 22975760, 22011816, 31973013, 27845546, 26361991, 7550325, 28281033, 27657684, 28220409, 20083419, 28649532, 34302356, 33364171, 33083013, 32235217)

Myriad Genetics, Inc.
Classification: Pathogenic for Biotinidase deficiency. Last evaluated: 2019-12-20. Review status: criteria provided, single submitter. Criteria: Myriad Women's Health Autosomal Recessive and X-Linked Classification Criteria (2019). Collection method: clinical testing. Allele origin: unknown.
Comment: NM_000060.2(BTD):c.98_104del7ins3(C33Ffs*36) is classified as pathogenic in the context of biotinidase deficiency. Sources cited for classification include the following: PMID 7550325. Classification of NM_000060.2(BTD):c.98_104del7ins3(C33Ffs*36) is based on the following criteria: The variant causes a premature termination codon that is expected to be targeted by nonsense-mediated mRNA decay and is reported in individuals with the relevant phenotype. Please note: this variant was assessed in the context of healthy population screening.

Genetic Services Laboratory, University of Chicago
Classification: Pathogenic for Biotinidase deficiency. Last evaluated: 2015-11-25. Review status: criteria provided, single submitter. Criteria: ACMG Guidelines, 2015. Collection method: clinical testing. Allele origin: germline. Affected: yes.

Eurofins Ntd Llc (ga)
Classification: Pathogenic. Last evaluated: 2014-03-31. Review status: criteria provided, single submitter. Criteria: EGL Classification Definitions. Collection method: clinical testing. Allele origin: germline. Observed: 18 variant alleles, 15 heterozygotes, 3 homozygotes.

CENTOGENE GmbH and LLC - Guiding Precision Medicine
Classification: Pathogenic for Biotinidase deficiency. Review status: criteria provided, single submitter. Criteria: ACMG Guidelines, 2015. Collection method: clinical testing. Allele origin: germline. Affected: yes.

Imagene.me medical diagnostic laboratory, IMAGENE.ME SA
Classification: Pathogenic for Biotinidase deficiency. Review status: criteria provided, single submitter. Criteria: IMAGENE.ME Variant Classification SOP 2022. Collection method: clinical testing. Allele origin: germline.
Comment: Classified according to the IMAGENE.ME variant classification SOP based on the ACMG guidelines as Pathogenic (P): PVS1 + PP4_Moderate

Juno Genomics, Hangzhou Juno Genomics, Inc
Classification: Pathogenic for Biotinidase deficiency. Review status: criteria provided, single submitter. Criteria: ACMG Guidelines, 2015. Collection method: clinical testing. Allele origin: germline.
Comment: Absent from controls (or at extremely low frequency if recessive) in Genome Aggregation Database.;Null variant in a gene where loss of function (LOF) is a known mechanism of disease.;For recessive disorders, detected in trans with a pathogenic variant.

Molecular Genetics Lab, CHRU Brest
Classification: Pathogenic for Biotinidase deficiency. Review status: criteria provided, single submitter. Criteria: ACMG Guidelines, 2015. Collection method: clinical testing. Allele origin: biparental. Affected: yes.

Neuberg Centre For Genomic Medicine, NCGM
Classification: Pathogenic for Biotinidase deficiency. Review status: criteria provided, single submitter. Criteria: ACMG Guidelines, 2015. Collection method: clinical testing. Allele origin: germline. Inheritance: Autosomal recessive inheritance. Affected: yes.
Comment: Loss of function is a known mechanism of disease in this gene. For these reasons, the variant has been classified as Pathogenic. In absence of another reportable variant in BTD gene, molecular diagnosis is not confirmed.

Suma Genomics
Classification: Pathogenic for Biotinidase deficiency. Review status: criteria provided, single submitter. Criteria: ACMG Guidelines, 2015. Collection method: clinical testing. Allele origin: inherited. Inheritance: Autosomal recessive inheritance. Affected: yes.

School of Biotechnology, University of Jammu
Classification: Pathogenic for Biotinidase deficiency. Last evaluated: 2025-05-18. Review status: no assertion criteria provided. Collection method: clinical testing. Allele origin: germline. Inheritance: Autosomal recessive inheritance. Affected: yes. Not counted in ClinVar's aggregate classification.

Natera, Inc.
Classification: Pathogenic for Biotinidase deficiency. Last evaluated: 2024-02-09. Review status: no assertion criteria provided. Collection method: clinical testing. Allele origin: germline. Not counted in ClinVar's aggregate classification.

OMIM
Classification: Pathogenic for BIOTINIDASE DEFICIENCY. Last evaluated: 1996-06-01. Review status: no assertion criteria provided. Collection method: literature only. Allele origin: germline. Not counted in ClinVar's aggregate classification.

GeneReviews
No classification provided. Condition: Biotinidase deficiency. Review status: no classification provided. Collection method: literature only. Allele origin: unknown. Not counted in ClinVar's aggregate classification.

Literature cited by the submitters: PubMed 20083419 (cited by 3 submitters); PubMed 7550325 (cited by 7 submitters); PubMed 27657684 (cited by 3 submitters); PubMed 27845546 (cited by 3 submitters); PubMed 28220409 (cited by 3 submitters); PubMed 39582447 (cited by Women's Health and Genetics/Laboratory Corporation of America, LabCorp); PubMed 28281033 (cited by Variantyx, Inc.); PubMed 28649532 (cited by Variantyx, Inc. and Laboratory for Molecular Medicine, Mass General Brigham Personalized Medicine); PubMed 35195902 (cited by Variantyx, Inc.); PubMed 38299772 (cited by Variantyx, Inc.); PubMed 9099842 (cited by Quest Diagnostics Nichols Institute San Juan Capistrano); PubMed 15776412 (cited by Quest Diagnostics Nichols Institute San Juan Capistrano); PubMed 27329734 (cited by Quest Diagnostics Nichols Institute San Juan Capistrano); PubMed 31973013 (cited by Laboratory for Molecular Medicine, Mass General Brigham Personalized Medicine); PubMed 8640218 (cited by OMIM and GeneReviews); PubMed 20301497 (cited by GeneReviews); NCBI Bookshelf NBK1322 (cited by GeneReviews).